The following is an entry in ClinVar:

NM_001378120.1(MBD5):c.1536C>T (p.Ser512=)

Gene: MBD5 (methyl-CpG binding domain protein 5; plus strand). Cytogenetic location: 2q23.1.
Variant type: single nucleotide variant.
Coding change: c.1536C>T on transcript NM_001378120.1 (MANE Select); coding-DNA position 1536, C replaced by T.
Protein change: p.Ser512=; no amino-acid change (serine 512 retained).
Molecular consequence: synonymous variant.
Genome position (GRCh38, 1-based): chr2:148,469,479, C>T. VCF-style: chr2-148469479-C-T. GRCh37 (hg19) VCF-style: chr2-149227048-C-T.
Other names: c.1536C>T, p.Ser512= (NM_018328.5).
Identifiers: ClinVar variation 390233 (VCV000390233.13), dbSNP rs147908860, ClinGen allele CA1900024.

ClinVar aggregate classification (germline): Likely benign. Review status: criteria provided, multiple submitters, no conflicts (2 of 4 stars). 3 submissions from 3 submitters: Likely benign (3). Last evaluated 2025-11-03.

Conditions:
Intellectual developmental disorder, autosomal dominant 1. Also called: MBD5 Haploinsufficiency; Intellectual disability, autosomal dominant 1. Identifiers: Orphanet 228402, MedGen C1969562, MONDO:0007974, OMIM 156200.

Allele frequency attached by ClinVar (database versions not stated): gnomAD exomes 0.00004 and 0.00005; ESP Exome Variant Server 0.00008; ExAC 0.00004; gnomAD 0.00006; TOPMed 0.00008.
gnomAD v4.1: 81 of 1,613,692 alleles (0.005%); highest among the groups gnomAD compares: Non-Finnish European, 0.0064%; no homozygotes.

Submissions (3):

Labcorp Genetics (formerly Invitae), Labcorp
Classification: Likely benign for Intellectual developmental disorder, autosomal dominant 1. Last evaluated: 2025-11-03. Review status: criteria provided, single submitter. Criteria: Invitae Variant Classification Sherloc (09022015). Collection method: clinical testing. Allele origin: germline.

Genetic Services Laboratory, University of Chicago
Classification: Likely benign. Last evaluated: 2018-11-16. Review status: criteria provided, single submitter. Criteria: ACMG Guidelines, 2015. Collection method: clinical testing. Allele origin: germline. Affected: no.

GeneDx
Classification: Likely benign. Last evaluated: 2016-10-24. Review status: criteria provided, single submitter. Criteria: GeneDx Variant Classification (06012015). Collection method: clinical testing. Allele origin: germline. Affected: yes.
Comment: This variant is considered likely benign or benign based on one or more of the following criteria: it is a conservative change, it occurs at a poorly conserved position in the protein, it is predicted to be benign by multiple in silico algorithms, and/or has population frequency not consistent with disease.